The following is an entry in ClinVar:

ClinVar aggregate classification (germline): Uncertain significance. Review status: criteria provided, multiple submitters, no conflicts (2 of 4 stars). 2 submissions from 2 submitters: Uncertain significance (2). Last evaluated 2023-02-15.

Conditions:
Inborn genetic diseases. Identifiers: MedGen C0950123, MeSH D030342.

Allele frequency attached by ClinVar (database versions not stated): gnomAD exomes 0.00002; gnomAD 0.00005; TOPMed 0.00006; ExAC 0.00007.
gnomAD v4.1: 38 of 1,609,834 alleles (0.0024%); highest among the groups gnomAD compares: Middle Eastern, 0.066%; no homozygotes.

Submissions (2):

Ambry Genetics
Classification: Uncertain significance for Inborn genetic diseases. Last evaluated: 2023-02-15. Review status: criteria provided, single submitter. Criteria: Ambry Variant Classification Scheme 2023. Collection method: clinical testing. Allele origin: germline.

Labcorp Genetics (formerly Invitae), Labcorp
Classification: Uncertain significance. Last evaluated: 2022-06-25. Review status: criteria provided, single submitter. Criteria: Invitae Variant Classification Sherloc (09022015). Collection method: clinical testing. Allele origin: germline.
Comment: This sequence change replaces leucine, which is neutral and non-polar, with valine, which is neutral and non-polar, at codon 935 of the CCDC88C protein (p.Leu935Val). This variant is present in population databases (rs776266258, gnomAD 0.02%). This variant has not been reported in the literature in individuals affected with CCDC88C-related conditions. Algorithms developed to predict the effect of missense changes on protein structure and function are either unavailable or do not agree on the potential impact of this missense change (SIFT: "Tolerated"; PolyPhen-2: "Probably Damaging"; Align-GVGD: "Class C0"). In summary, the available evidence is currently insufficient to determine the role of this variant in disease. Therefore, it has been classified as a Variant of Uncertain Significance.

NM_001080414.4(CCDC88C):c.2803C>G (p.Leu935Val)

Gene: CCDC88C (coiled-coil domain containing 88C; minus strand). Cytogenetic location: 14q32.11.
Variant type: single nucleotide variant.
Coding change: c.2803C>G on transcript NM_001080414.4 (MANE Select); coding-DNA position 2803, C replaced by G.
Protein change: p.Leu935Val; replaces leucine 935 with valine.
Molecular consequence: missense variant.
Genome position (GRCh38, 1-based): chr14:91,309,920, G>C on the plus strand (C>G on the coding strand, the complement: CCDC88C is on the minus strand). VCF-style: chr14-91309920-G-C. GRCh37 (hg19) VCF-style: chr14-91776264-G-C.
Other names: c.2803C>G (NM_001080414.3); short protein forms L935V.
Identifiers: ClinVar variation 2047067 (VCV002047067.3), dbSNP rs776266258, ClinGen allele CA7309554.